The following is an entry in ClinVar:

NM_178822.5(IGSF10):c.3283G>C (p.Ala1095Pro)

Gene: IGSF10 (immunoglobulin superfamily member 10; minus strand). Cytogenetic location: 3q25.1.
Variant type: single nucleotide variant.
Coding change: c.3283G>C on transcript NM_178822.5 (MANE Select); coding-DNA position 3283, G replaced by C.
Protein change: p.Ala1095Pro; replaces alanine 1095 with proline.
Molecular consequence: missense variant.
Genome position (GRCh38, 1-based): chr3:151,446,698, C>G on the plus strand (G>C on the coding strand, the complement: IGSF10 is on the minus strand). VCF-style: chr3-151446698-C-G. GRCh37 (hg19) VCF-style: chr3-151164486-C-G.
Other names: c.3283G>C, p.Ala1095Pro (NM_001385060.1, NM_001385061.1, NM_001385062.1 and 1 more transcripts); short protein forms A1095P.
Identifiers: ClinVar variation 4874784 (VCV004874784.2).

ClinVar aggregate classification (germline): Likely benign (1 of 4 stars; one submission).

gnomAD v4.1: 51 of 1,613,996 alleles (0.0032%); highest among the groups gnomAD compares: Admixed American, 0.085%; no homozygotes.

Submission:

CeGaT Center for Human Genetics Tuebingen
Classification: Likely benign. Last evaluated: 2026-04-01. Review status: criteria provided, single submitter. Criteria: CeGaT Center For Human Genetics Tuebingen Variant Classification Criteria Version 2. Collection method: clinical testing. Allele origin: germline. Affected: yes. Observed: 1 variant allele.
Comment: IGSF10: BP4